The following is an entry in ClinVar:

ClinVar aggregate classification (germline): Uncertain significance. Review status: criteria provided, single submitter (1 of 4 stars). 2 submissions from 2 submitters: Uncertain significance (1). 1 of the submissions does not count toward it. Last evaluated 2022-09-07.

Conditions:
Retinitis pigmentosa 25 (RP25). Identifiers: Orphanet 791, MedGen C1864446, MONDO:0011272, OMIM 602772.

Allele frequency attached by ClinVar (database versions not stated): TOPMed below 0.00001; gnomAD 0.00001; gnomAD exomes 0.00001.
gnomAD v4.1: 18 of 1,550,574 alleles (0.0012%); highest among the groups gnomAD compares: Non-Finnish European, 0.0013%; no homozygotes.

Submissions (2):

Labcorp Genetics (formerly Invitae), Labcorp
Classification: Uncertain significance. Last evaluated: 2022-09-07. Review status: criteria provided, single submitter. Criteria: Invitae Variant Classification Sherloc (09022015). Collection method: clinical testing. Allele origin: germline.
Comment: This sequence change replaces glutamine, which is neutral and polar, with arginine, which is basic and polar, at codon 832 of the EYS protein (p.Gln832Arg). This variant is not present in population databases (gnomAD no frequency). This variant has not been reported in the literature in individuals affected with EYS-related conditions. ClinVar contains an entry for this variant (Variation ID: 853938). Algorithms developed to predict the effect of missense changes on protein structure and function are either unavailable or do not agree on the potential impact of this missense change (SIFT: "Tolerated"; PolyPhen-2: "Probably Damaging"; Align-GVGD: "Class C0"). In summary, the available evidence is currently insufficient to determine the role of this variant in disease. Therefore, it has been classified as a Variant of Uncertain Significance.

Natera, Inc.
Classification: Uncertain significance for Retinitis pigmentosa type 25. Last evaluated: 2020-11-28. Review status: no assertion criteria provided. Collection method: clinical testing. Allele origin: germline. Not counted in ClinVar's aggregate classification.

NM_001142800.2(EYS):c.2495A>G (p.Gln832Arg)

Gene: EYS (eyes shut homolog; minus strand). Cytogenetic location: 6q12.
Variant type: single nucleotide variant.
Coding change: c.2495A>G on transcript NM_001142800.2 (MANE Select); coding-DNA position 2495, A replaced by G.
Protein change: p.Gln832Arg; replaces glutamine 832 with arginine.
Molecular consequence: missense variant.
Genome position (GRCh38, 1-based): chr6:64,912,630, T>C on the plus strand (A>G on the coding strand, the complement: EYS is on the minus strand). VCF-style: chr6-64912630-T-C. GRCh37 (hg19) VCF-style: chr6-65622523-T-C.
Other names: c.2495A>G, p.Gln832Arg (NM_001292009.2); short protein forms Q832R.
Identifiers: ClinVar variation 853938 (VCV000853938.9), dbSNP rs1459583624, ClinGen allele CA364786387.
Genomic context (GRCh38, chr6:64,912,630, plus strand): 5'-AGGTTATAGCGTTGGTGGCAAAATTGTCCAGTATAAAGGGGTGGGCACAGACATACAAAT[T>C]GTCCAGGGATGGTAGATTCATGACAAAGACCTCCATTCATGCATGGATCAGAGTCGCATT-3'
Protein context (NP_001136272.1, residues 822-842): GLCHESTIPG[Gln832Arg]FVCLCPPLYT